The following is an entry in ClinVar:

ClinVar aggregate classification (germline): Uncertain significance. Review status: criteria provided, multiple submitters, no conflicts (2 of 4 stars). 2 submissions from 2 submitters: Uncertain significance (2). Last evaluated 2023-08-25.

Conditions:
Hereditary breast ovarian cancer syndrome. Also called: Hereditary breast and ovarian cancer; Hereditary breast and ovarian cancer syndrome (HBOC); Breast and ovarian cancer; Hereditary breast and/or ovarian cancer syndrome; BRCA1- and BRCA2-Associated Hereditary Breast and Ovarian Cancer; Hereditary breast and ovarian cancer syndrome. Identifiers: Orphanet 145, MedGen C0677776, MeSH D061325, MONDO:0003582. Disease mechanism: loss of function.

Submissions (3):

Quest Diagnostics Nichols Institute San Juan Capistrano
Classification: Uncertain significance. Last evaluated: 2023-08-25. Review status: criteria provided, single submitter. Criteria: Quest Diagnostics criteria. Collection method: clinical testing. Allele origin: unknown.
Comment: An experimental study of the effect of this variant on BRCA1 function was inconclusive (PMID: 30209399 (2018)). This variant has not been reported in large, multi-ethnic general populations (Genome Aggregation Database). Analysis of this variant using software algorithms for the prediction of the effect of nucleotide changes on splicing yielded predictions that this variant may affect proper BRCA1 mRNA splicing . Based on the available information, we are unable to determine the clinical significance of this variant.

Labcorp Genetics (formerly Invitae), Labcorp
Classification: Uncertain significance for Hereditary breast ovarian cancer syndrome. Last evaluated: 2020-01-02. Review status: criteria provided, single submitter. Criteria: Invitae Variant Classification Sherloc (09022015). Collection method: clinical testing. Allele origin: germline.
Comment: This variant has not been reported in the literature in individuals This variant has been reported to have conflicting or insufficient data to determine the effect on BRCA1 protein function (PMID: 30209399). Nucleotide substitutions within the consensus splice site are a relatively common cause of aberrant splicing (PMID: 17576681, 9536098). Algorithms developed to predict the effect of sequence changes on RNA splicing suggest that this variant may disrupt the consensus splice site, but this prediction has not been confirmed by published transcriptional studies. This variant is not present in population databases (ExAC no frequency). This sequence change falls in intron 20 of the BRCA1 gene. It does not directly change the encoded amino acid sequence of the BRCA1 protein, but it affects a nucleotide within the consensus splice site of the intron. In summary, the available evidence is currently insufficient to determine the role of this variant in disease. Therefore, it has been classified as a Variant of Uncertain Significance.

Brotman Baty Institute, University of Washington
No classification provided (evidence only). Condition: Breast-ovarian cancer, familial 1. Review status: no classification provided. Collection method: in vitro. Allele origin: not applicable. Functional consequence: function_uncertain_variant. Not counted in ClinVar's aggregate classification.
ClinVar note: "not provided" was previously submitted as the classification for the variant. However, the classification appeared to be based only on an observation of functional data so it was converted to no classification on 2025-07-30.

Literature cited by the submitters: PubMed 30209399 (cited by Quest Diagnostics Nichols Institute San Juan Capistrano and Labcorp Genetics (formerly Invitae), Labcorp); PubMed 17576681 (cited by Labcorp Genetics (formerly Invitae), Labcorp); PubMed 9536098 (cited by Labcorp Genetics (formerly Invitae), Labcorp).

NM_007294.4(BRCA1):c.5333-3T>A

Gene: BRCA1 (BRCA1 DNA repair associated; minus strand). Cytogenetic location: 17q21.31.
Variant type: single nucleotide variant.
Coding change: c.5333-3T>A on transcript NM_007294.4 (MANE Select); 3 bases into the intron before coding-DNA position 5333, T replaced by A.
Molecular consequence: intron variant.
Genome position (GRCh38, 1-based): chr17:43,049,197, A>T on the plus strand (T>A on the coding strand, the complement: BRCA1 is on the minus strand). VCF-style: chr17-43049197-A-T. GRCh37 (hg19) VCF-style: chr17-41201214-A-T.
Other names: c.5120-3T>A (NM_001407908.1, NM_001407898.1, NM_001407894.1 and 12 more transcripts); c.5123-3T>A (NM_001407882.1, NM_001407885.1, NM_001407886.1 and 5 more transcripts); c.1895-3T>A (NM_001408447.1, NM_001408446.1, NM_001408448.1 and 2 more transcripts); c.1898-3T>A (NM_001408433.1, NM_001408441.1, NM_001408437.1 and 10 more transcripts); c.5201-3T>A (NM_001407690.1, NM_001407691.1); c.5204-3T>A (NM_001407687.1, NM_001407683.1, NM_001407686.1 and 5 more transcripts); c.5204-1494T>A (NM_001407941.1); c.5207-3T>A (NM_001407673.1, NM_001407674.1, NM_001407677.1 and 8 more transcripts); and 84 more.
Identifiers: ClinVar variation 868344 (VCV000868344.13), dbSNP rs397509265, ClinGen allele CA916080884.